The following is an entry in ClinVar:

NM_001368067.1(LDB3):c.546T>C (p.Ser182=)

Genes: LDB3 (LIM domain binding 3; plus strand), LOC110121486 (VISTA enhancer hs2143; plus strand). Cytogenetic location: 10q23.2.
Variant type: single nucleotide variant.
Coding change: c.546T>C on transcript NM_001368067.1 (MANE Plus Clinical); coding-DNA position 546, T replaced by C.
Protein change: p.Ser182=; no amino-acid change (serine 182 retained).
Molecular consequence: synonymous variant. On other transcripts: intron variant (5).
Genome position (GRCh38, 1-based): chr10:86,687,270, T>C. VCF-style: chr10-86687270-T-C. GRCh37 (hg19) VCF-style: chr10-88447027-T-C.
Other names: p.Ser182=; c.546T>C, p.Ser182= (NM_001080116.1, NM_001080114.2, NM_001368066.1 and 1 more transcripts); c.891T>C, p.Ser297= (NM_001171610.2, NM_001171611.2); c.690-4626T>C (NM_001368064.1, NM_001368063.1, NM_007078.3 and 2 more transcripts).
Identifiers: ClinVar variation 43880 (VCV000043880.71), dbSNP rs71473272, ClinGen allele CA133084.

ClinVar aggregate classification (germline): Benign. Review status: criteria provided, multiple submitters, no conflicts (2 of 4 stars). 14 submissions from 14 submitters: Benign (8). 6 of the submissions do not count toward it. Last evaluated 2026-08-01.

Conditions:
Cardiovascular phenotype. Identifiers: MedGen CN230736.
Dilated cardiomyopathy 1C (CMD1C). Also called: CARDIOMYOPATHY, DILATED, 1C, WITH OR WITHOUT LEFT VENTRICULAR NONCOMPACTION; Cardiomyopathy, dilated, 1C, with or without LVNC. Identifiers: Orphanet 154, Orphanet 54260, MedGen C1832244, MONDO:0011094, OMIM 601493.
Myofibrillar myopathy 4. Also called: Zaspopathy (type). Identifiers: Orphanet 98912, MedGen C4721886, MONDO:0012277, OMIM 609452.

Allele frequency attached by ClinVar (database versions not stated): 1000 Genomes Project 0.00339; TOPMed 0.00345; gnomAD exomes 0.00450 and 0.00503; ESP Exome Variant Server 0.00320; gnomAD 0.00351 and 0.00316; ExAC 0.00549; 1000 Genomes Project 30x 0.00328.
gnomAD v4.1: 7,163 of 1,613,964 alleles (0.44%); highest among the groups gnomAD compares: Middle Eastern, 1.5%; 45 homozygotes.

Submissions (14):

CeGaT Center for Human Genetics Tuebingen
Classification: Benign. Last evaluated: 2026-08-01. Review status: criteria provided, single submitter. Criteria: CeGaT Center For Human Genetics Tuebingen Variant Classification Criteria Version 2. Collection method: clinical testing. Allele origin: germline. Affected: yes. Observed: 11 variant alleles.
Comment: LDB3: BP4, BP7, BS1, BS2

Labcorp Genetics (formerly Invitae), Labcorp
Classification: Benign for Myofibrillar myopathy 4. Last evaluated: 2026-02-03. Review status: criteria provided, single submitter. Criteria: Invitae Variant Classification Sherloc (09022015). Collection method: clinical testing. Allele origin: germline.

ARUP Laboratories, Molecular Genetics and Genomics, ARUP Laboratories
Classification: Benign. Last evaluated: 2024-11-21. Review status: criteria provided, single submitter. Criteria: ARUP Molecular Germline Variant Investigation Process 2024. Collection method: clinical testing. Allele origin: germline.

Mayo Clinic Laboratories, Mayo Clinic
Classification: Benign. Last evaluated: 2022-11-18. Review status: criteria provided, single submitter. Criteria: ACMG Guidelines, 2015. Collection method: clinical testing. Allele origin: germline. Observed: 32 variant alleles.

Ambry Genetics
Classification: Benign for Cardiovascular phenotype. Last evaluated: 2015-07-31. Review status: criteria provided, single submitter. Criteria: Ambry Variant Classification Scheme 2023. Collection method: clinical testing. Allele origin: germline.

GeneDx
Classification: Benign. Last evaluated: 2015-03-03. Review status: criteria provided, single submitter. Criteria: GeneDx Variant Classification Process June 2021. Collection method: clinical testing. Allele origin: germline. Affected: yes.

Laboratory for Molecular Medicine, Mass General Brigham Personalized Medicine
Classification: Benign. Last evaluated: 2012-04-09. Review status: criteria provided, single submitter. Criteria: LMM Criteria. Collection method: clinical testing. Allele origin: germline. Observed: 29 variant alleles.
Comment: Ser182Ser in exon 6 of LDB3: This variant is not expected to have clinical signi ficance because it does not alter an amino acid residue and has been identified in 0.3% (22/6920) of European American chromosomes from a broad population by th e NHLBI Exome Sequencing Project (dbSNP rs714 73272). Ser182Ser in exon 6 of LDB3 (rs71473272; allele frequency = 0.3%, 22/69 20) **

PreventionGenetics, part of Exact Sciences
Classification: Benign. Review status: criteria provided, single submitter. Criteria: ACMG Guidelines, 2015. Collection method: clinical testing. Allele origin: germline.

Cytogenetics- Mohapatra Lab, Banaras Hindu University
Classification: Benign for Dilated cardiomyopathy 1C. Last evaluated: 2015-01-30. Review status: no assertion criteria provided. Collection method: case-control. Allele origin: unknown. Affected: yes. Observed: 1 variant allele. Not counted in ClinVar's aggregate classification.

Clinical Genetics DNA and cytogenetics Diagnostics Lab, Erasmus MC, Erasmus Medical Center
Classification: Benign. Review status: no assertion criteria provided. Collection method: clinical testing. Allele origin: germline. Affected: yes. Study: VKGL Data-share Consensus. Not counted in ClinVar's aggregate classification.

Clinical Genetics, Academic Medical Center
Classification: Benign. Review status: no assertion criteria provided. Collection method: clinical testing. Allele origin: germline. Affected: yes. Study: VKGL Data-share Consensus. Not counted in ClinVar's aggregate classification.

Diagnostic Laboratory, Department of Genetics, University Medical Center Groningen
Classification: Likely benign. Review status: no assertion criteria provided. Collection method: clinical testing. Allele origin: germline. Affected: yes. Study: VKGL Data-share Consensus. Not counted in ClinVar's aggregate classification.

Joint Genome Diagnostic Labs from Nijmegen and Maastricht, Radboudumc and MUMC+
Classification: Benign. Review status: no assertion criteria provided. Collection method: clinical testing. Allele origin: germline. Affected: yes. Study: VKGL Data-share Consensus. Not counted in ClinVar's aggregate classification.

Laboratory of Diagnostic Genome Analysis, Leiden University Medical Center (LUMC)
Classification: Likely benign. Review status: no assertion criteria provided. Collection method: clinical testing. Allele origin: germline. Affected: yes. Study: VKGL Data-share Consensus. Not counted in ClinVar's aggregate classification.